The following is an entry in ClinVar:

NM_004714.3(DYRK1B):c.1586C>A (p.Pro529His)

Gene: DYRK1B (dual specificity tyrosine phosphorylation regulated kinase 1B; minus strand). Cytogenetic location: 19q13.2.
Variant type: single nucleotide variant.
Coding change: c.1586C>A on transcript NM_004714.3 (MANE Select); coding-DNA position 1586, C replaced by A.
Protein change: p.Pro529His; replaces proline 529 with histidine.
Molecular consequence: missense variant.
Genome position (GRCh38, 1-based): chr19:39,826,019, G>T on the plus strand (C>A on the coding strand, the complement: DYRK1B is on the minus strand). VCF-style: chr19-39826019-G-T. GRCh37 (hg19) VCF-style: chr19-40316659-G-T.
Other names: c.1466C>A, p.Pro489His (NM_006483.3); c.1502C>A, p.Pro501His (NM_006484.3); short protein forms P489H, P501H, P529H.
Identifiers: ClinVar variation 3357700 (VCV003357700.2).

ClinVar aggregate classification (germline): Uncertain significance (1 of 4 stars; one submission).

Conditions:
DYRK1B-related disorder. Also called: DYRK1B-related condition.

gnomAD v4.1: 23 of 1,521,624 alleles (0.0015%); highest among the groups gnomAD compares: Non-Finnish European, 0.0015%; no homozygotes.

Submission:

PreventionGenetics, part of Exact Sciences
Classification: Uncertain significance for DYRK1B-related condition. Last evaluated: 2026-09-24. Review status: criteria provided, single submitter. Criteria: ACMG Guidelines, 2015. Collection method: clinical testing. Allele origin: germline.
Comment: The DYRK1B c.1586C>A variant is predicted to result in the amino acid substitution p.Pro529His. To our knowledge, this variant has not been reported in the literature or in a large population database, indicating this variant is rare. At this time, the clinical significance of this variant is uncertain due to the absence of conclusive functional and genetic evidence.